The following is an entry in ClinVar:

NM_002184.4(IL6ST):c.592G>A (p.Val198Ile)

Gene: IL6ST (interleukin 6 cytokine family signal transducer; minus strand). Cytogenetic location: 5q11.2.
Variant type: single nucleotide variant.
Coding change: c.592G>A on transcript NM_002184.4 (MANE Select); coding-DNA position 592, G replaced by A.
Protein change: p.Val198Ile; replaces valine 198 with isoleucine.
Molecular consequence: missense variant. On other transcripts: 5 prime UTR variant (3), non-coding transcript variant (2).
Genome position (GRCh38, 1-based): chr5:55,964,212, C>T on the plus strand (G>A on the coding strand, the complement: IL6ST is on the minus strand). VCF-style: chr5-55964212-C-T. GRCh37 (hg19) VCF-style: chr5-55260040-C-T.
Other names: c.592G>A, p.Val198Ile (NM_001190981.2, NM_001364275.2, NM_175767.3); c.382G>A, p.Val128Ile (NM_001364276.2); c.-322G>A (NM_001364277.2, NM_001364279.2); c.-312G>A (NM_001364278.2); short protein forms V198I, V128I.
Identifiers: ClinVar variation 1946080 (VCV001946080.5), dbSNP rs753748648, ClinGen allele CA3271665.
Genomic context (GRCh38, chr5:55,964,212, plus strand): 5'-ATACAGGATCAAAATTGATATGATCTGATGTAACCTTCCCAAGGGCATTCTCTGCTTCTA[C>T]CCAGACTTCAATGTTGACAAAATACACAGTAGAATAATCAACAGTGCATGAGGTGGGGGT-3'
Protein context (NP_002175.2, residues 188-208): TVYFVNIEVW[Val198Ile]EAENALGKVT

ClinVar aggregate classification (germline): Uncertain significance (1 of 4 stars; one submission).

Allele frequency attached by ClinVar (database versions not stated): gnomAD exomes below 0.00001; TOPMed below 0.00001; gnomAD 0.00001.
gnomAD v4.1: 5 of 1,610,176 alleles (0.00031%); highest among the groups gnomAD compares: Non-Finnish European, 0.00042%; no homozygotes.

Submission:

Labcorp Genetics (formerly Invitae), Labcorp
Classification: Uncertain significance. Last evaluated: 2023-02-26. Review status: criteria provided, single submitter. Criteria: Invitae Variant Classification Sherloc (09022015). Collection method: clinical testing. Allele origin: germline.
Comment: This sequence change replaces valine, which is neutral and non-polar, with isoleucine, which is neutral and non-polar, at codon 198 of the IL6ST protein (p.Val198Ile). This variant is present in population databases (rs753748648, gnomAD 0.002%). In summary, the available evidence is currently insufficient to determine the role of this variant in disease. Therefore, it has been classified as a Variant of Uncertain Significance. An algorithm developed to predict the effect of missense changes on protein structure and function (PolyPhen-2) suggests that this variant is likely to be disruptive. ClinVar contains an entry for this variant (Variation ID: 1946080). This variant has not been reported in the literature in individuals affected with IL6ST-related conditions.